The following is an entry in ClinVar:

ClinVar aggregate classification (germline): Uncertain significance. Review status: criteria provided, multiple submitters, no conflicts (2 of 4 stars). 4 submissions from 4 submitters: Uncertain significance (4). Last evaluated 2024-08-02.

Conditions:
Cardiovascular phenotype. Identifiers: MedGen CN230736.
Hypertrophic cardiomyopathy 20. Identifiers: MedGen C3151267, MONDO:0013477, OMIM 613876.
Dilated cardiomyopathy 1CC (CMD1CC). Identifiers: Orphanet 154, MedGen C2751084, MONDO:0013147, OMIM 613122.

Allele frequency attached by ClinVar (database versions not stated): TOPMed 0.00001; gnomAD exomes 0.00002; ExAC 0.00003; ESP Exome Variant Server 0.00008.
gnomAD v4.1: 26 of 1,613,660 alleles (0.0016%); highest among the groups gnomAD compares: South Asian, 0.0077%; no homozygotes.

Submissions (4):

Mayo Clinic Laboratories, Mayo Clinic
Classification: Uncertain significance. Last evaluated: 2024-08-02. Review status: criteria provided, single submitter. Criteria: ACMG Guidelines, 2015. Collection method: clinical testing. Allele origin: germline. Observed: 1 variant allele.

Ambry Genetics
Classification: Uncertain significance for Cardiovascular phenotype. Last evaluated: 2022-07-25. Review status: criteria provided, single submitter. Criteria: Ambry Variant Classification Scheme 2023. Collection method: clinical testing. Allele origin: germline.
Comment: The p.R539C variant (also known as c.1615C>T), located in coding exon 11 of the NEXN gene, results from a C to T substitution at nucleotide position 1615. The arginine at codon 539 is replaced by cysteine, an amino acid with highly dissimilar properties. This amino acid position is conserved. In addition, this alteration is predicted to be deleterious by in silico analysis. Since supporting evidence is limited at this time, the clinical significance of this alteration remains unclear.

Labcorp Genetics (formerly Invitae), Labcorp
Classification: Uncertain significance for Dilated cardiomyopathy 1CC; Hypertrophic cardiomyopathy 20. Last evaluated: 2021-11-24. Review status: criteria provided, single submitter. Criteria: Invitae Variant Classification Sherloc (09022015). Collection method: clinical testing. Allele origin: germline.
Comment: This variant has not been reported in the literature in individuals affected with NEXN-related conditions. In summary, the available evidence is currently insufficient to determine the role of this variant in disease. Therefore, it has been classified as a Variant of Uncertain Significance. Algorithms developed to predict the effect of missense changes on protein structure and function are either unavailable or do not agree on the potential impact of this missense change (SIFT: "Deleterious"; PolyPhen-2: "Probably Damaging"; Align-GVGD: "Class C0"). ClinVar contains an entry for this variant (Variation ID: 201928). This variant is present in population databases (rs373680705, gnomAD 0.01%). This sequence change replaces arginine, which is basic and polar, with cysteine, which is neutral and slightly polar, at codon 539 of the NEXN protein (p.Arg539Cys).

GeneDx
Classification: Uncertain significance. Last evaluated: 2013-01-11. Review status: criteria provided, single submitter. Criteria: GeneDx Variant Classification (06012015). Collection method: clinical testing. Allele origin: germline. Affected: yes.
Comment: p.Arg539Cys (CGC>TGC): c.1615 C>T in exon 12 of the NEXN gene (NM_144573.3). The Arg539Cys variant in the NEXN gene has not been reported as a disease-causing mutation or as a benign polymorphism to our knowledge. Arg539Cys results in a semi-conservative amino acid substitution of a positively charged Arginine with a neutral, polar Cystein at a position that is highly conserved across species. In silico analysis predicts Arg539Cys is damaging to the protein structure/function. The Arg539Cys variant was not observed with any significant frequency in approximately 6,000 individuals of European and African American ancestry in the NHLBI Exome Sequencing Project. Nevertheless, only very few NEXN mutations have been reported in association with cardiomyopathy to date, and none of those were located nearby. With the clinical and molecular information available at this time, we cannot definitively determine if Arg539Cys in the NEXN gene is a disease-causing mutation or rare benign variant. The variant is found in DCM panel(s).

NM_144573.4(NEXN):c.1615C>T (p.Arg539Cys)

Gene: NEXN (nexilin F-actin binding protein; plus strand). Cytogenetic location: 1p31.1.
Variant type: single nucleotide variant.
Coding change: c.1615C>T on transcript NM_144573.4 (MANE Select); coding-DNA position 1615, C replaced by T.
Protein change: p.Arg539Cys; replaces arginine 539 with cysteine.
Molecular consequence: missense variant.
Genome position (GRCh38, 1-based): chr1:77,942,164, C>T. VCF-style: chr1-77942164-C-T. GRCh37 (hg19) VCF-style: chr1-78407849-C-T.
Other names: p.R539C:CGC>TGC; p.Arg539Cys; c.1423C>T, p.Arg475Cys (NM_001172309.2); short protein forms R539C, R475C.
Identifiers: ClinVar variation 201928 (VCV000201928.10), dbSNP rs373680705, ClinGen allele CA335424.